The following is an entry in ClinVar:

NC_000023.11:g.(?_31348536)_(31479123_?)del

Gene: DMD (dystrophin; minus strand). Cytogenetic location: Xp21.2.
Variant type: Deletion.
Identifiers: ClinVar variation 455796 (VCV000455796.8).

ClinVar aggregate classification (germline): Pathogenic (1 of 4 stars; one submission).

Conditions:
Duchenne muscular dystrophy (DMD). Also called: MUSCULAR DYSTROPHY, PSEUDOHYPERTROPHIC PROGRESSIVE, DUCHENNE TYPE; Duchenne Muscular Dystrophy (DMD). Identifiers: Orphanet 98896, MedGen C0013264, MONDO:0010679, OMIM 310200.

Submission:

Labcorp Genetics (formerly Invitae), Labcorp
Classification: Pathogenic for Duchenne muscular dystrophy. Last evaluated: 2017-02-15. Review status: criteria provided, single submitter. Criteria: Invitae Variant Classification Sherloc (09022015). Collection method: clinical testing. Allele origin: germline.
Comment: This variant is an out-of-frame deletion of the genomic region encompassing exons 58-61 of the DMD gene. This creates a premature translational stop signal and is expected to result in an absent or disrupted protein product. For these reasons, this variant has been classified as Pathogenic. Loss-of-function variants in DMD are known to be pathogenic (PMID: 16770791). A similar copy number variant has been reported in individuals affected with Duchenne muscular dystrophy in the Universal Mutation Database (PMID: 22144684).

Literature cited by the submitters: PubMed 16770791; PubMed 22144684.